The following is an entry in ClinVar:

NM_015910.7(WDPCP):c.1606C>G (p.Leu536Val)

Gene: WDPCP (WD repeat containing planar cell polarity effector; minus strand). Cytogenetic location: 2p15.
Variant type: single nucleotide variant.
Coding change: c.1606C>G on transcript NM_015910.7 (MANE Select); coding-DNA position 1606, C replaced by G.
Protein change: p.Leu536Val; replaces leucine 536 with valine.
Molecular consequence: missense variant. On other transcripts: non-coding transcript variant (3).
Genome position (GRCh38, 1-based): chr2:63,381,924, G>C on the plus strand (C>G on the coding strand, the complement: WDPCP is on the minus strand). VCF-style: chr2-63381924-G-C. GRCh37 (hg19) VCF-style: chr2-63609059-G-C.
Other names: c.1129C>G, p.Leu377Val (NM_001042692.3); c.1534C>G, p.Leu512Val (NM_001354044.2); c.1606C>G, p.Leu536Val (NM_001354045.2); short protein forms L512V, L536V, L377V.
Identifiers: ClinVar variation 1397001 (VCV001397001.7), dbSNP rs955196377, ClinGen allele CA49231283.

ClinVar aggregate classification (germline): Uncertain significance. Review status: criteria provided, multiple submitters, no conflicts (2 of 4 stars). 2 submissions from 2 submitters: Uncertain significance (2). Last evaluated 2024-01-22.

Conditions:
Bardet-Biedl syndrome (BBS). Identifiers: Orphanet 110, MedGen C0752166, MONDO:0015229.
Bardet-Biedl syndrome 15 (BBS15). Identifiers: Orphanet 110, MedGen C3150127, MONDO:0014443, OMIM 615992.
Heart defect - tongue hamartoma - polysyndactyly syndrome. Also called: Congenital heart defects, hamartomas of tongue, and polysyndactyly. Identifiers: Orphanet 1338, MedGen C1857587, MONDO:0009008, OMIM 217085.

Allele frequency attached by ClinVar (database versions not stated): gnomAD exomes 0.00001; TOPMed 0.00001.
gnomAD v4.1: 5 of 1,613,422 alleles (0.00031%); highest among the groups gnomAD compares: Non-Finnish European, 0.00034%; no homozygotes.

Submissions (2):

Fulgent Genetics
Classification: Uncertain significance for Heart defect - tongue hamartoma - polysyndactyly syndrome; Bardet-Biedl syndrome 15. Last evaluated: 2024-01-22. Review status: criteria provided, single submitter. Criteria: ACMG Guidelines, 2015. Collection method: clinical testing. Allele origin: germline.

Labcorp Genetics (formerly Invitae), Labcorp
Classification: Uncertain significance for Bardet-Biedl syndrome. Last evaluated: 2022-10-13. Review status: criteria provided, single submitter. Criteria: Invitae Variant Classification Sherloc (09022015). Collection method: clinical testing. Allele origin: germline.
Comment: In summary, the available evidence is currently insufficient to determine the role of this variant in disease. Therefore, it has been classified as a Variant of Uncertain Significance. Advanced modeling of protein sequence and biophysical properties (such as structural, functional, and spatial information, amino acid conservation, physicochemical variation, residue mobility, and thermodynamic stability) performed at Invitae indicates that this missense variant is expected to disrupt WDPCP protein function. ClinVar contains an entry for this variant (Variation ID: 1397001). This variant has not been reported in the literature in individuals affected with WDPCP-related conditions. This variant is present in population databases (no rsID available, gnomAD 0.002%). This sequence change replaces leucine, which is neutral and non-polar, with valine, which is neutral and non-polar, at codon 536 of the WDPCP protein (p.Leu536Val).